The following is an entry in ClinVar:

ClinVar aggregate classification (germline): Conflicting classifications of pathogenicity. Review status: criteria provided, conflicting classifications (1 of 4 stars). 3 submissions from 3 submitters: Uncertain significance (1); Likely benign (2). Last evaluated 2022-10-14.

Allele frequency attached by ClinVar (database versions not stated): TOPMed below 0.00001; gnomAD 0.00001; gnomAD exomes 0.00002 and 0.00003; ExAC 0.00007.
gnomAD v4.1: 31 of 1,614,006 alleles (0.0019%); highest among the groups gnomAD compares: Non-Finnish European, 0.0026%; no homozygotes.

Submissions (3):

Blueprint Genetics
Classification: Likely benign. Last evaluated: 2022-10-14. Review status: criteria provided, single submitter. Criteria: ACMG Guidelines, 2015. Collection method: clinical testing. Allele origin: germline.

Labcorp Genetics (formerly Invitae), Labcorp
Classification: Uncertain significance. Last evaluated: 2022-08-22. Review status: criteria provided, single submitter. Criteria: Invitae Variant Classification Sherloc (09022015). Collection method: clinical testing. Allele origin: germline.
Comment: This sequence change falls in intron 4 of the TPP1 gene. It does not directly change the encoded amino acid sequence of the TPP1 protein. It affects a nucleotide within the consensus splice site. This variant is present in population databases (rs781744173, gnomAD 0.007%). This variant has not been reported in the literature in individuals affected with TPP1-related conditions. ClinVar contains an entry for this variant (Variation ID: 378756). Variants that disrupt the consensus splice site are a relatively common cause of aberrant splicing (PMID: 17576681, 9536098). Algorithms developed to predict the effect of sequence changes on RNA splicing suggest that this variant may disrupt the consensus splice site. In summary, the available evidence is currently insufficient to determine the role of this variant in disease. Therefore, it has been classified as a Variant of Uncertain Significance.

GeneDx
Classification: Likely benign. Last evaluated: 2016-04-06. Review status: criteria provided, single submitter. Criteria: GeneDx Variant Classification (06012015). Collection method: clinical testing. Allele origin: germline. Affected: yes.
Comment: This variant is considered likely benign or benign based on one or more of the following criteria: it is a conservative change, it occurs at a poorly conserved position in the protein, it is predicted to be benign by multiple in silico algorithms, and/or has population frequency not consistent with disease.

Literature cited by the submitters: PubMed 17576681 (cited by Labcorp Genetics (formerly Invitae), Labcorp); PubMed 9536098 (cited by Labcorp Genetics (formerly Invitae), Labcorp).

NM_000391.4(TPP1):c.380+3G>A

Gene: TPP1 (tripeptidyl peptidase 1; minus strand). Cytogenetic location: 11p15.4.
Variant type: single nucleotide variant.
Coding change: c.380+3G>A on transcript NM_000391.4 (MANE Select); 3 bases into the intron after coding-DNA position 380, G replaced by A.
Molecular consequence: intron variant.
Genome position (GRCh38, 1-based): chr11:6,617,623, C>T on the plus strand (G>A on the coding strand, the complement: TPP1 is on the minus strand). VCF-style: chr11-6617623-C-T. GRCh37 (hg19) VCF-style: chr11-6638854-C-T.
Identifiers: ClinVar variation 378756 (VCV000378756.4), dbSNP rs781744173, ClinGen allele CA5858984.